The following is an entry in ClinVar:

ClinVar aggregate classification (germline): Pathogenic (1 of 4 stars; one submission).

Submission:

Labcorp Genetics (formerly Invitae), Labcorp
Classification: Pathogenic. Last evaluated: 2023-11-08. Review status: criteria provided, single submitter. Criteria: Invitae Variant Classification Sherloc (09022015). Collection method: clinical testing. Allele origin: germline.
Comment: This sequence change creates a premature translational stop signal (p.Ile287Asnfs*4) in the ZEB1 gene. It is expected to result in an absent or disrupted protein product. Loss-of-function variants in ZEB1 are known to be pathogenic (PMID: 16252232, 17935237, 30851240). This variant is not present in population databases (gnomAD no frequency). This variant has not been reported in the literature in individuals affected with ZEB1-related conditions. For these reasons, this variant has been classified as Pathogenic.

Literature cited by the submitters: PubMed 16252232; PubMed 17935237; PubMed 30851240.

NM_001174096.2(ZEB1):c.862dup (p.Ile288fs)

Gene: ZEB1 (zinc finger E-box binding homeobox 1; plus strand). Cytogenetic location: 10p11.22.
Variant type: Duplication.
Coding change: c.862dup on transcript NM_001174096.2 (MANE Select); coding-DNA position 862, one base duplicated (A; older notation c.862dupA).
Protein change: p.Ile288fs; shifts the reading frame from isoleucine 288.
Molecular consequence: frameshift variant.
Genome position (GRCh38, 1-based): chr10:31,520,194, A duplicated. VCF-style (leftmost placement, unchanged base first): chr10-31520193-C-CA. GRCh37 (hg19) VCF-style: chr10-31809121-C-CA.
Other names: c.811dup, p.Ile271fs (NM_001128128.3); c.799dup, p.Ile267fs (NM_001174093.2); c.808dup, p.Ile270fs (NM_001174094.2); c.658dup, p.Ile220fs (NM_001174095.2); c.205dup, p.Ile69fs (NM_001323638.2, NM_001323641.2, NM_001323642.2 and 27 more transcripts); c.637dup, p.Ile213fs (NM_001323674.2); c.595dup, p.Ile199fs (NM_001323675.2); c.820dup, p.Ile274fs (NM_001323676.2); and 3 more; short protein forms I196fs, I213fs, I271fs, I274fs, I287fs, I288fs, I69fs, I267fs.
Identifiers: ClinVar variation 2694368 (VCV002694368.3), dbSNP rs2543953717, ClinGen allele CA2697558298.